The following is an entry in ClinVar:

ClinVar aggregate classification (germline): Benign (1 of 4 stars; one submission).

Allele frequency attached by ClinVar (database versions not stated): 1000 Genomes Project 30x 0.76593; TOPMed 0.76715; 1000 Genomes Project 0.77236; gnomAD 0.78032 and 0.78493.
gnomAD v4.1: 119,097 of 151,776 alleles (78%); highest among the groups gnomAD compares: East Asian, 87%; 47,964 homozygotes.

Submission:

GeneDx
Classification: Benign. Last evaluated: 2018-06-14. Review status: criteria provided, single submitter. Criteria: GeneDx Variant Classification (06012015). Collection method: clinical testing. Allele origin: germline. Affected: yes.
Comment: This variant is considered likely benign or benign based on one or more of the following criteria: it is a conservative change, it occurs at a poorly conserved position in the protein, it is predicted to be benign by multiple in silico algorithms, and/or has population frequency not consistent with disease.

NM_001377.3(DYNC2H1):c.2946+287A>G

Gene: DYNC2H1 (dynein cytoplasmic 2 heavy chain 1; plus strand). Cytogenetic location: 11q22.3.
Variant type: single nucleotide variant.
Coding change: c.2946+287A>G on transcript NM_001377.3 (MANE Select); 287 bases into the intron after coding-DNA position 2946, A replaced by G.
Molecular consequence: intron variant.
Genome position (GRCh38, 1-based): chr11:103,148,904, A>G. VCF-style: chr11-103148904-A-G. GRCh37 (hg19) VCF-style: chr11-103019633-A-G.
Other names: c.2946+287A>G (NM_001080463.2).
Identifiers: ClinVar variation 667693 (VCV000667693.1), dbSNP rs2513999, ClinGen allele CA13523520.
Genomic context (GRCh38, chr11:103,148,904, plus strand): 5'-GTTGGGAGTTCAAGACCAGCCTGACCAACATGGTCAAACCCTGTATCTGTTAAAAATACA[A>G]AAATTAGCCGGTTGTGGTGGTGGGTGCCTGTAATCCCAGCTATTCAGGAGGCTGAGGCAG-3'